The following is an entry in ClinVar:

ClinVar aggregate classification (germline): Uncertain significance (1 of 4 stars; one submission).

Submission:

Women's Health and Genetics/Laboratory Corporation of America, LabCorp
Classification: Uncertain significance. Last evaluated: 2023-01-12. Review status: criteria provided, single submitter. Criteria: LabCorp Variant Classification Summary - May 2015. Collection method: clinical testing. Allele origin: germline.
Comment: Variant summary: The variant identified by MLPA or other technology involves the duplication of exons 20-21 in the VPS13B gene. A presumed nomenclature of c.(2824+1_2825-1)_(3082+1_3083-1)dup has been designated for the purposes of this classification. It has been assumed that this is a tandem duplication in direct orientation (Richardson_GIM_2018, Newman_AJHG_2015). Although exact breakpoints of this duplication are not known, it is expected to result in a large in-frame duplication in the VPS13B gene. The variant was absent in 21694 control chromosomes (gnomAD SVs, structural variant data). The available data on variant occurrences in the general population are insufficient to allow any conclusion about variant significance. To our knowledge, no occurrence of c.(2824+1_2825-1)_(3082+1_3083-1)dup in individuals affected with Cohen Syndrome and no experimental evidence demonstrating its impact on protein function have been reported. No clinical diagnostic laboratories have submitted clinical-significance assessments for this variant to ClinVar after 2014. Based on the evidence outlined above, the variant was classified as uncertain significance.

NC_000008.10:g.(100287483_100396435)_(100403933_100443764)dup

Gene: VPS13B (vacuolar protein sorting 13 homolog B; plus strand). Cytogenetic location: 8q22.2.
Variant type: Duplication.
Identifiers: ClinVar variation 2429267 (VCV002429267.3).